The following is an entry in ClinVar:

NM_033641.4(COL4A6):c.1031G>A (p.Gly344Asp)

Gene: COL4A6 (collagen type IV alpha 6 chain; minus strand). Cytogenetic location: Xq22.3.
Variant type: single nucleotide variant.
Coding change: c.1031G>A on transcript NM_033641.4 (MANE Select); coding-DNA position 1031, G replaced by A.
Protein change: p.Gly344Asp; replaces glycine 344 with aspartic acid.
Molecular consequence: missense variant.
Genome position (GRCh38, 1-based): chrX:108,193,669, C>T on the plus strand (G>A on the coding strand, the complement: COL4A6 is on the minus strand). VCF-style: chrX-108193669-C-T. GRCh37 (hg19) VCF-style: chrX-107436899-C-T.
Other names: c.1031G>A, p.Gly344Asp (NM_001287758.2, NM_001287759.2, NM_001287760.2 and 1 more transcripts); c.1034G>A, p.Gly345Asp (NM_001440759.1, NM_001847.4); short protein forms G344D, G345D.
Identifiers: ClinVar variation 4985415 (VCV004985415.1).

ClinVar aggregate classification (germline): Uncertain significance (1 of 4 stars; one submission).

Conditions:
COL4A6-related disorder. Also called: COL4A6-related condition.

gnomAD v4.1: 3 of 1,209,260 alleles (0.00025%); highest among the groups gnomAD compares: Non-Finnish European, 0.00034%; no homozygotes.

Submission:

PreventionGenetics, part of Exact Sciences
Classification: Uncertain significance for COL4A6-related condition. Last evaluated: 2026-06-16. Review status: criteria provided, single submitter. Criteria: ACMG Guidelines, 2015. Collection method: clinical testing. Allele origin: germline.
Comment: The COL4A6 c.1034G>A variant is predicted to result in the amino acid substitution p.Gly345Asp. To our knowledge, this variant has not been reported in the literature or in a large population database (gnomAD), indicating this variant is rare. At this time, the clinical significance of this variant is uncertain due to the absence of conclusive functional and genetic evidence.